The following is an entry in ClinVar:

NM_002907.4(RECQL):c.754G>C (p.Gly252Arg)

Gene: RECQL (RecQ like helicase; minus strand). Cytogenetic location: 12p12.1.
Variant type: single nucleotide variant.
Coding change: c.754G>C on transcript NM_002907.4 (MANE Select); coding-DNA position 754, G replaced by C.
Protein change: p.Gly252Arg; replaces glycine 252 with arginine.
Molecular consequence: missense variant.
Genome position (GRCh38, 1-based): chr12:21,477,916, C>G on the plus strand (G>C on the coding strand, the complement: RECQL is on the minus strand). VCF-style: chr12-21477916-C-G. GRCh37 (hg19) VCF-style: chr12-21630850-C-G.
Other names: c.754G>C, p.Gly252Arg (NM_032941.3); short protein forms G252R.
Identifiers: ClinVar variation 2015876 (VCV002015876.4), dbSNP rs2540356816, ClinGen allele CA384124814.

ClinVar aggregate classification (germline): Uncertain significance (1 of 4 stars; one submission).

Submission:

Labcorp Genetics (formerly Invitae), Labcorp
Classification: Uncertain significance. Last evaluated: 2022-07-11. Review status: criteria provided, single submitter. Criteria: Invitae Variant Classification Sherloc (09022015). Collection method: clinical testing. Allele origin: germline.
Comment: Algorithms developed to predict the effect of missense changes on protein structure and function (SIFT, PolyPhen-2, Align-GVGD) all suggest that this variant is likely to be disruptive. In summary, the available evidence is currently insufficient to determine the role of this variant in disease. Therefore, it has been classified as a Variant of Uncertain Significance. This sequence change replaces glycine, which is neutral and non-polar, with arginine, which is basic and polar, at codon 252 of the RECQL protein (p.Gly252Arg). This variant is not present in population databases (gnomAD no frequency). This variant has not been reported in the literature in individuals affected with RECQL-related conditions.